The following is an entry in ClinVar:

ClinVar aggregate classification (germline): Likely benign. Review status: criteria provided, multiple submitters, no conflicts (2 of 4 stars). 2 submissions from 2 submitters: Likely benign (2). Last evaluated 2025-09-19.

Conditions:
SNRNP200-related disorder. Also called: SNRNP200-related condition.

gnomAD v4.1: 25 of 1,613,794 alleles (0.0015%); highest among the groups gnomAD compares: South Asian, 0.014%; no homozygotes.

Submissions (2):

PreventionGenetics, part of Exact Sciences
Classification: Likely benign for SNRNP200-related condition. Last evaluated: 2025-09-19. Review status: criteria provided, single submitter. Criteria: ACMG Guidelines, 2015. Collection method: clinical testing. Allele origin: germline.
Comment: This variant is classified as likely benign based on ACMG/AMP sequence variant interpretation guidelines (Richards et al. 2015 PMID: 25741868, with internal and published modifications).

Labcorp Genetics (formerly Invitae), Labcorp
Classification: Likely benign. Last evaluated: 2024-02-02. Review status: criteria provided, single submitter. Criteria: Invitae Variant Classification Sherloc (09022015). Collection method: clinical testing. Allele origin: germline.

NM_014014.5(SNRNP200):c.2160+9G>A

Gene: SNRNP200 (small nuclear ribonucleoprotein U5 subunit 200; minus strand). Cytogenetic location: 2q11.2.
Variant type: single nucleotide variant.
Coding change: c.2160+9G>A on transcript NM_014014.5 (MANE Select); 9 bases into the intron after coding-DNA position 2160, G replaced by A.
Molecular consequence: intron variant.
Genome position (GRCh38, 1-based): chr2:96,292,963, C>T on the plus strand (G>A on the coding strand, the complement: SNRNP200 is on the minus strand). VCF-style: chr2-96292963-C-T. GRCh37 (hg19) VCF-style: chr2-96958701-C-T.
Other names: c.2160+9G>A (NM_014014.4).
Identifiers: ClinVar variation 3706901 (VCV003706901.3).